The following is an entry in ClinVar:

NM_006493.4(CLN5):c.339+6G>A

Gene: CLN5 (CLN5 lysosomal BMP synthase; plus strand). Cytogenetic location: 13q22.3.
Variant type: single nucleotide variant.
Coding change: c.339+6G>A on transcript NM_006493.4 (MANE Select); 6 bases into the intron after coding-DNA position 339, G replaced by A.
Molecular consequence: intron variant.
Genome position (GRCh38, 1-based): chr13:76,995,234, G>A. VCF-style: chr13-76995234-G-A. GRCh37 (hg19) VCF-style: chr13-77569369-G-A.
Other names: c.486+6G>A (LRG_692t1); c.339+6G>A (NM_001366624.2).
Identifiers: ClinVar variation 409278 (VCV000409278.11), dbSNP rs1468101, ClinGen allele CA16614442.

ClinVar aggregate classification (germline): Uncertain significance. Review status: criteria provided, single submitter (1 of 4 stars). 2 submissions from 2 submitters: Uncertain significance (1). 1 of the submissions does not count toward it. Last evaluated 2025-03-10.

Conditions:
Neuronal ceroid lipofuscinosis. Also called: Neuronal Ceroid Lipofuscinoses. Identifiers: Orphanet 216, Orphanet 79263, MedGen C0027877, MONDO:0016295. Disease mechanism: loss of function.

Allele frequency attached by ClinVar (database versions not stated): gnomAD exomes 0.00001; gnomAD 0.00002; TOPMed 0.00002.
gnomAD v4.1: 9 of 1,613,562 alleles (0.00056%); highest among the groups gnomAD compares: East Asian, 0.011%; no homozygotes.

Submissions (2):

Labcorp Genetics (formerly Invitae), Labcorp
Classification: Uncertain significance for Neuronal ceroid lipofuscinosis. Last evaluated: 2025-03-10. Review status: criteria provided, single submitter. Criteria: Invitae Variant Classification Sherloc (09022015). Collection method: clinical testing. Allele origin: germline.
Comment: This sequence change falls in intron 2 of the CLN5 gene. It does not directly change the encoded amino acid sequence of the CLN5 protein. It affects a nucleotide within the consensus splice site. This variant is present in population databases (rs1468101, gnomAD 0.01%). This variant has not been reported in the literature in individuals affected with CLN5-related conditions. ClinVar contains an entry for this variant (Variation ID: 409278). Variants that disrupt the consensus splice site are a relatively common cause of aberrant splicing (PMID: 17576681, 9536098). Algorithms developed to predict the effect of sequence changes on RNA splicing suggest that this variant is not likely to affect RNA splicing. In summary, the available evidence is currently insufficient to determine the role of this variant in disease. Therefore, it has been classified as a Variant of Uncertain Significance.

Natera, Inc.
Classification: Uncertain significance for Neuronal ceroid lipofuscinosis. Last evaluated: 2020-12-27. Review status: no assertion criteria provided. Collection method: clinical testing. Allele origin: germline. Not counted in ClinVar's aggregate classification.

Literature cited by the submitters: PubMed 17576681 (cited by Labcorp Genetics (formerly Invitae), Labcorp); PubMed 9536098 (cited by Labcorp Genetics (formerly Invitae), Labcorp).